The following is an entry in ClinVar:

NM_000180.4(GUCY2D):c.995G>C (p.Arg332Pro)

Gene: GUCY2D (guanylate cyclase 2D, retinal; plus strand). Cytogenetic location: 17p13.1.
Variant type: single nucleotide variant.
Coding change: c.995G>C on transcript NM_000180.4 (MANE Select); coding-DNA position 995, G replaced by C.
Protein change: p.Arg332Pro; replaces arginine 332 with proline.
Molecular consequence: missense variant.
Genome position (GRCh38, 1-based): chr17:8,004,125, G>C. VCF-style: chr17-8004125-G-C. GRCh37 (hg19) VCF-style: chr17-7907443-G-C.
Other names: short protein forms R332P.
Identifiers: ClinVar variation 2925601 (VCV002925601.3), dbSNP rs1156744504, ClinGen allele CA397946359.

ClinVar aggregate classification (germline): Uncertain significance (1 of 4 stars; one submission).

Conditions:
Leber congenital amaurosis 1 (LCA1). Also called: RETINAL BLINDNESS, CONGENITAL; Congenital absence of the rods and cones; Leber's congenital tapetoretinal degeneration; Leber's congenital tapetoretinal dysplasia; AMAUROSIS CONGENITA OF LEBER I. Identifiers: Orphanet 65, MedGen C2931258, MONDO:0008764, OMIM 204000.
Cone-rod dystrophy 6 (CORD6). Also called: RETINAL CONE DYSTROPHY 2; Cone dystrophy progressive. Identifiers: Orphanet 1872, MedGen C1866293, MONDO:0011143, OMIM 601777.

Submission:

Labcorp Genetics (formerly Invitae), Labcorp
Classification: Uncertain significance for Leber congenital amaurosis 1; Cone-rod dystrophy 6. Last evaluated: 2023-10-05. Review status: criteria provided, single submitter. Criteria: Invitae Variant Classification Sherloc (09022015). Collection method: clinical testing. Allele origin: germline.
Comment: This sequence change replaces arginine, which is basic and polar, with proline, which is neutral and non-polar, at codon 332 of the GUCY2D protein (p.Arg332Pro). This variant is not present in population databases (gnomAD no frequency). This missense change has been observed in individuals with Leber congenital amaurosis (PMID: 26047050, 27375279). Advanced modeling of protein sequence and biophysical properties (such as structural, functional, and spatial information, amino acid conservation, physicochemical variation, residue mobility, and thermodynamic stability) performed at Invitae indicates that this missense variant is not expected to disrupt GUCY2D protein function. In summary, the available evidence is currently insufficient to determine the role of this variant in disease. Therefore, it has been classified as a Variant of Uncertain Significance.

Literature cited by the submitters: PubMed 26047050; PubMed 27375279.